The following is an entry in ClinVar:

ClinVar aggregate classification (germline): Likely pathogenic (1 of 4 stars; one submission).

Conditions:
Autosomal recessive polycystic kidney disease (ARPKD). Also called: AR polycystic kidney disease. Identifiers: Orphanet 731, Orphanet 8378, MedGen C0085548, MeSH D017044, MONDO:0009889.

Submission:

Natera, Inc.
Classification: Likely pathogenic for Autosomal recessive polycystic kidney disease. Last evaluated: 2025-04-19. Review status: criteria provided, single submitter. Criteria: Natera Variant Classification Schema (03/2026). Collection method: clinical testing. Allele origin: germline.
Comment: The c.8246G>A variant in PKHD1 is a nonsense variant predicted to introduce a stop codon at amino acid 2749. This variant is expected to result in nonsense mediated decay, truncation, or a dysfunctional protein product. This variant is rare in the general population with a frequency below the threshold expected for the associated phenotype(s). Given the available evidence, this variant is classified as Likely Pathogenic.

NM_138694.4(PKHD1):c.8246G>A (p.Trp2749Ter)

Gene: PKHD1 (PKHD1 ciliary IPT domain containing fibrocystin/polyductin; minus strand). Cytogenetic location: 6p12.2.
Variant type: single nucleotide variant.
Coding change: c.8246G>A on transcript NM_138694.4 (MANE Select); coding-DNA position 8246, G replaced by A.
Protein change: p.Trp2749Ter; replaces tryptophan 2749 with a stop codon.
Molecular consequence: nonsense.
Genome position (GRCh38, 1-based): chr6:51,830,917, C>T on the plus strand (G>A on the coding strand, the complement: PKHD1 is on the minus strand). VCF-style: chr6-51830917-C-T. GRCh37 (hg19) VCF-style: chr6-51695715-C-T.
Other names: c.8246G>A, p.Trp2749Ter (NM_170724.3); short protein forms W2749*.
Identifiers: ClinVar variation 4816766 (VCV004816766.1).